The following is an entry in ClinVar:

ClinVar aggregate classification (germline): Uncertain significance (1 of 4 stars; one submission).

Submission:

Labcorp Genetics (formerly Invitae), Labcorp
Classification: Uncertain significance. Last evaluated: 2025-10-08. Review status: criteria provided, single submitter. Criteria: Invitae Variant Classification Sherloc (09022015). Collection method: clinical testing. Allele origin: germline.
Comment: This sequence change replaces arginine, which is basic and polar, with glycine, which is neutral and non-polar, at codon 1462 of the APC2 protein (p.Arg1462Gly). This variant is present in population databases (rs265273, gnomAD 0.02%). This variant has not been reported in the literature in individuals affected with APC2-related conditions. ClinVar contains an entry for this variant (Variation ID: 1972212). An algorithm developed to predict the effect of missense changes on protein structure and function (PolyPhen-2) suggests that this variant is likely to be tolerated. In summary, the available evidence is currently insufficient to determine the role of this variant in disease. Therefore, it has been classified as a Variant of Uncertain Significance.

NM_005883.3(APC2):c.4384A>G (p.Arg1462Gly)

Gene: APC2 (APC regulator of Wnt signaling pathway 2; plus strand). Cytogenetic location: 19p13.3.
Variant type: single nucleotide variant.
Coding change: c.4384A>G on transcript NM_005883.3 (MANE Select); coding-DNA position 4384, A replaced by G.
Protein change: p.Arg1462Gly; replaces arginine 1462 with glycine.
Molecular consequence: missense variant.
Genome position (GRCh38, 1-based): chr19:1,467,685, A>G. VCF-style: chr19-1467685-A-G. GRCh37 (hg19) VCF-style: chr19-1467684-A-G.
Other names: c.4381A>G, p.Arg1461Gly (NM_001351273.1); short protein forms R1462G, R1461G.
Identifiers: ClinVar variation 1972212 (VCV001972212.3), dbSNP rs265273, ClinGen allele CA304078423.
Genomic context (GRCh38, chr19:1,467,685, plus strand): 5'-CGGCACAAGGCGGGAGGCGCCGGCCGCAGCGCGGAGCAGTCTCGGGGCGCGGGCAAGAAC[A>G]GAGCAGGGCTGGAGCTGCCCCTGGGCCGGCCCCCGAGCGCCCCCGCAGACAAGGACGGCT-3'
Protein context (NP_005874.1, residues 1452-1472): AEQSRGAGKN[Arg1462Gly]AGLELPLGRP